The following is an entry in ClinVar:

ClinVar aggregate classification (germline): Conflicting classifications of pathogenicity. Review status: criteria provided, conflicting classifications (1 of 4 stars). 4 submissions from 4 submitters: Uncertain significance (3); Likely benign (1). Last evaluated 2025-07-25.

Conditions:
Cardiovascular phenotype. Identifiers: MedGen CN230736.
Dilated cardiomyopathy 1JJ (CMD1JJ). Identifiers: Orphanet 154, MedGen C3808935, MONDO:0014095, OMIM 615235.

Allele frequency attached by ClinVar (database versions not stated): ExAC 0.00002; gnomAD exomes 0.00002; TOPMed 0.00002; gnomAD 0.00005 and 0.00006.
gnomAD v4.1: 20 of 1,613,074 alleles (0.0012%); highest among the groups gnomAD compares: African/African-American, 0.017%; no homozygotes.

Submissions (4):

Ambry Genetics
Classification: Likely benign for Cardiovascular phenotype. Last evaluated: 2025-07-25. Review status: criteria provided, single submitter. Criteria: Ambry Variant Classification Scheme 2023. Collection method: clinical testing. Allele origin: germline.

Labcorp Genetics (formerly Invitae), Labcorp
Classification: Uncertain significance for Dilated cardiomyopathy 1JJ. Last evaluated: 2024-06-30. Review status: criteria provided, single submitter. Criteria: Invitae Variant Classification Sherloc (09022015). Collection method: clinical testing. Allele origin: germline.
Comment: This sequence change replaces histidine, which is basic and polar, with arginine, which is basic and polar, at codon 382 of the LAMA4 protein (p.His382Arg). This variant is present in population databases (rs782618362, gnomAD 0.02%). This missense change has been observed in individual(s) with dilated cardiomyopathy (PMID: 31983221). ClinVar contains an entry for this variant (Variation ID: 647160). Algorithms developed to predict the effect of missense changes on protein structure and function output the following: SIFT: "Not Available"; PolyPhen-2: "Benign"; Align-GVGD: "Not Available". The arginine amino acid residue is found in multiple mammalian species, which suggests that this missense change does not adversely affect protein function. In summary, the available evidence is currently insufficient to determine the role of this variant in disease. Therefore, it has been classified as a Variant of Uncertain Significance.

Genomic Medicine Center of Excellence, King Faisal Specialist Hospital and Research Centre
Classification: Uncertain significance for Dilated cardiomyopathy 1JJ. Last evaluated: 2024-04-04. Review status: criteria provided, single submitter. Criteria: ACMG Guidelines, 2015. Collection method: clinical testing. Allele origin: germline.

Fulgent Genetics
Classification: Uncertain significance for Dilated cardiomyopathy 1JJ. Last evaluated: 2021-09-08. Review status: criteria provided, single submitter. Criteria: ACMG Guidelines, 2015. Collection method: clinical testing. Allele origin: unknown.

Literature cited by the submitters: PubMed 31983221 (cited by Labcorp Genetics (formerly Invitae), Labcorp).

NM_001105206.3(LAMA4):c.1166A>G (p.His389Arg)

Gene: LAMA4 (laminin subunit alpha 4; minus strand). Cytogenetic location: 6q21.
Variant type: single nucleotide variant.
Coding change: c.1166A>G on transcript NM_001105206.3 (MANE Select); coding-DNA position 1166, A replaced by G.
Protein change: p.His389Arg; replaces histidine 389 with arginine.
Molecular consequence: missense variant.
Genome position (GRCh38, 1-based): chr6:112,178,144, T>C on the plus strand (A>G on the coding strand, the complement: LAMA4 is on the minus strand). VCF-style: chr6-112178144-T-C. GRCh37 (hg19) VCF-style: chr6-112499346-T-C.
Other names: c.1145A>G, p.His382Arg (NM_001105207.3, NM_002290.5); short protein forms H382R, H389R.
Identifiers: ClinVar variation 647160 (VCV000647160.14), dbSNP rs782618362, ClinGen allele CA3965843.
Genomic context (GRCh38, chr6:112,178,144, plus strand): 5'-CTTGATATTAAACTGAACCAGAAGAGAATATATTTACCTTGGATTTTATCCCTCATATCA[T>C]GGGCTTGCTCTACCAGCTGACTTGCGTGGTTAATGGTGTCCATGCTTTCCTTCTGAACAA-3'
Protein context (NP_001098676.2, residues 379-399): NHASQLVEQA[His389Arg]DMRDKIQEIN